The following is an entry in ClinVar:

NM_014336.5(AIPL1):c.92C>A (p.Ser31Tyr)

Gene: AIPL1 (AIP like 1 HSP90 co-chaperone; minus strand). Cytogenetic location: 17p13.2.
Variant type: single nucleotide variant.
Coding change: c.92C>A on transcript NM_014336.5 (MANE Select); coding-DNA position 92, C replaced by A.
Protein change: p.Ser31Tyr; replaces serine 31 with tyrosine.
Molecular consequence: missense variant. On other transcripts: 5 prime UTR variant (1).
Genome position (GRCh38, 1-based): chr17:6,435,013, G>T on the plus strand (C>A on the coding strand, the complement: AIPL1 is on the minus strand). VCF-style: chr17-6435013-G-T. GRCh37 (hg19) VCF-style: chr17-6338333-G-T.
Other names: c.92C>A (NM_014336.3); c.92C>A, p.Ser31Tyr (NM_001033054.3, NM_001033055.3, NM_001285399.3 and 3 more transcripts); c.-84C>A (NM_001285402.2); short protein forms S31Y.
Identifiers: ClinVar variation 1421312 (VCV001421312.4), dbSNP rs1458100796, ClinGen allele CA397397744.

ClinVar aggregate classification (germline): Uncertain significance. Review status: criteria provided, multiple submitters, no conflicts (2 of 4 stars). 2 submissions from 2 submitters: Uncertain significance (2). Last evaluated 2025-08-19.

Conditions:
Inborn genetic diseases. Identifiers: MedGen C0950123, MeSH D030342.
Leber congenital amaurosis 4 (LCA4). Identifiers: MedGen C1858386, MONDO:0011458, OMIM 604393.

Allele frequency attached by ClinVar (database versions not stated): TOPMed 0.00002.
gnomAD v4.1: 6 of 1,614,188 alleles (0.00037%); highest among the groups gnomAD compares: Admixed American, 0.01%; no homozygotes.

Submissions (2):

Ambry Genetics
Classification: Uncertain significance for Inborn genetic diseases. Last evaluated: 2025-08-19. Review status: criteria provided, single submitter. Criteria: Ambry Variant Classification Scheme 2023. Collection method: clinical testing. Allele origin: germline.

Labcorp Genetics (formerly Invitae), Labcorp
Classification: Uncertain significance for Leber congenital amaurosis 4. Last evaluated: 2021-11-27. Review status: criteria provided, single submitter. Criteria: Invitae Variant Classification Sherloc (09022015). Collection method: clinical testing. Allele origin: germline.
Comment: This sequence change replaces serine, which is neutral and polar, with tyrosine, which is neutral and polar, at codon 31 of the AIPL1 protein (p.Ser31Tyr). This variant is present in population databases (no rsID available, gnomAD 0.02%). This variant has not been reported in the literature in individuals affected with AIPL1-related conditions. Algorithms developed to predict the effect of missense changes on protein structure and function are either unavailable or do not agree on the potential impact of this missense change (SIFT: "Deleterious"; PolyPhen-2: "Probably Damaging"; Align-GVGD: "Class C15"). In summary, the available evidence is currently insufficient to determine the role of this variant in disease. Therefore, it has been classified as a Variant of Uncertain Significance.